The following is an entry in ClinVar:

NM_000080.4(CHRNE):c.1326+22G>A

Gene: CHRNE (cholinergic receptor nicotinic epsilon subunit; minus strand). Cytogenetic location: 17p13.2.
Variant type: single nucleotide variant.
Coding change: c.1326+22G>A on transcript NM_000080.4 (MANE Select); 22 bases into the intron after coding-DNA position 1326, G replaced by A.
Molecular consequence: intron variant.
Genome position (GRCh38, 1-based): chr17:4,898,979, C>T on the plus strand (G>A on the coding strand, the complement: CHRNE is on the minus strand). VCF-style: chr17-4898979-C-T. GRCh37 (hg19) VCF-style: chr17-4802274-C-T.
Other names: NC_000017.10:g.4802274C>T; c.1326+22G>A (NM_000080.3).
Identifiers: ClinVar variation 1207138 (VCV001207138.6), dbSNP rs369296997, ClinGen allele CA8313885.

ClinVar aggregate classification (germline): Likely benign. Review status: criteria provided, single submitter (1 of 4 stars). 2 submissions from 2 submitters: Likely benign (1). 1 of the submissions does not count toward it. Last evaluated 2019-11-14.

Conditions:
CHRNE-related disorder. Also called: CHRNE-related condition.

Allele frequency attached by ClinVar (database versions not stated): gnomAD exomes 0.00048 and 0.00095; ExAC 0.00260; ESP Exome Variant Server 0.00265; TOPMed 0.00357; gnomAD 0.00363 and 0.00379; 1000 Genomes Project 0.00479.
gnomAD v4.1: 1,037 of 1,283,932 alleles (0.081%); highest among the groups gnomAD compares: African/African-American, 1.1%; 3 homozygotes.

Submissions (4):

GeneDx
Classification: Likely benign. Last evaluated: 2019-11-14. Review status: criteria provided, single submitter. Criteria: GeneDx Variant Classification Process June 2021. Collection method: clinical testing. Allele origin: germline. Affected: yes.

PreventionGenetics, part of Exact Sciences
Classification: Benign for CHRNE-related condition. Last evaluated: 2021-03-04. Review status: no assertion criteria provided. Collection method: clinical testing. Allele origin: germline. Not counted in ClinVar's aggregate classification.
Comment: This variant is classified as benign based on ACMG/AMP sequence variant interpretation guidelines (Richards et al. 2015 PMID: 25741868, with internal and published modifications).

Dr. Peter K. Rogan Lab, Western University
No classification provided (evidence only). Condition: Familial cancer of breast. Review status: no classification provided. Collection method: in vitro. Allele origin: not applicable. Functional consequence: retained intron. Not counted in ClinVar's aggregate classification.

Dr. Peter K. Rogan Lab, Western University
No classification provided (evidence only). Condition: Gastric cancer. Review status: no classification provided. Collection method: in vitro. Allele origin: not applicable. Functional consequence: retained intron. Not counted in ClinVar's aggregate classification.